The following is an entry in ClinVar:

NM_000199.5(SGSH):c.937G>C (p.Val313Leu)

Gene: SGSH (N-sulfoglucosamine sulfohydrolase; minus strand). Cytogenetic location: 17q25.3.
Variant type: single nucleotide variant.
Coding change: c.937G>C on transcript NM_000199.5 (MANE Select); coding-DNA position 937, G replaced by C.
Protein change: p.Val313Leu; replaces valine 313 with leucine.
Molecular consequence: missense variant. On other transcripts: non-coding transcript variant (1).
Genome position (GRCh38, 1-based): chr17:80,212,083, C>G on the plus strand (G>C on the coding strand, the complement: SGSH is on the minus strand). VCF-style: chr17-80212083-C-G. GRCh37 (hg19) VCF-style: chr17-78185882-C-G.
Other names: c.937G>C, p.Val313Leu (NM_001352921.3, NM_001352922.2); short protein forms V313L.
Identifiers: ClinVar variation 1348963 (VCV001348963.3), dbSNP rs769385447, ClinGen allele CA401359627.

ClinVar aggregate classification (germline): Uncertain significance (1 of 4 stars; one submission).

Conditions:
Mucopolysaccharidosis, MPS-III-A (MPS3A). Also called: Mucopolysaccharidosis, type IIIA; mucopolysaccharidosis type 3A; MPS IIIA (Sanfilippo Syndrome Type A); HEPARAN SULFATE SULFATASE DEFICIENCY; Mucopolysaccharidosis type IIIA (Sanfilippo A); SANFILIPPO SYNDROME A. Identifiers: Orphanet 581, Orphanet 79269, MedGen C0086647, MONDO:0009655, OMIM 252900.

Submission:

Labcorp Genetics (formerly Invitae), Labcorp
Classification: Uncertain significance for Mucopolysaccharidosis, MPS-III-A. Last evaluated: 2022-08-22. Review status: criteria provided, single submitter. Criteria: Invitae Variant Classification Sherloc (09022015). Collection method: clinical testing. Allele origin: germline.
Comment: This sequence change replaces valine, which is neutral and non-polar, with leucine, which is neutral and non-polar, at codon 313 of the SGSH protein (p.Val313Leu). This variant is not present in population databases (gnomAD no frequency). This variant has not been reported in the literature in individuals affected with SGSH-related conditions. ClinVar contains an entry for this variant (Variation ID: 1348963). Algorithms developed to predict the effect of missense changes on protein structure and function are either unavailable or do not agree on the potential impact of this missense change (SIFT: "Deleterious"; PolyPhen-2: "Possibly Damaging"; Align-GVGD: "Class C0"). In summary, the available evidence is currently insufficient to determine the role of this variant in disease. Therefore, it has been classified as a Variant of Uncertain Significance.